The following is an entry in ClinVar:

ClinVar aggregate classification (germline): Pathogenic (1 of 4 stars; one submission).

Conditions:
Primary ciliary dyskinesia 3. Identifiers: Orphanet 244, MedGen C1837618, MONDO:0012085, OMIM 608644.

Submission:

Myriad Genetics, Inc.
Classification: Pathogenic for Primary ciliary dyskinesia 3. Last evaluated: 2024-05-14. Review status: criteria provided, single submitter. Criteria: Myriad Autosomal Dominant, Autosomal Recessive and X-Linked Classification Criteria (2023). Collection method: clinical testing. Allele origin: unknown.
Comment: NM_001369.2(DNAH5):c.8780_8781ins8(D2927Efs*15) is expected to be pathogenic in the context of primary ciliary dyskinesia, DNAH5-related. This variant is predicted to lead to an abnormal or absent protein product due to the creation of a premature termination codon in DNAH5, a gene where loss-of-function variants are known to be pathogenic. Please note: this variant was assessed in the context of healthy population screening.

NM_001369.3(DNAH5):c.8780_8781insGAGACAGT (p.Asp2927fs)

Gene: DNAH5 (dynein axonemal heavy chain 5; minus strand). Cytogenetic location: 5p15.2.
Variant type: Insertion.
Coding change: c.8780_8781insGAGACAGT on transcript NM_001369.3 (MANE Select); coding-DNA positions 8780 to 8781, GAGACAGT inserted.
Protein change: p.Asp2927fs; shifts the reading frame from aspartic acid 2927.
Molecular consequence: frameshift variant.
Genome position: GRCh38 VCF-style: chr5-13786218-G-GACTGTCTC. GRCh37 (hg19) VCF-style: chr5-13786327-G-GACTGTCTC.
Other names: short protein forms D2927fs.
Identifiers: ClinVar variation 5010518 (VCV005010518.1).